The following is an entry in ClinVar:

ClinVar aggregate classification (germline): Uncertain significance (1 of 4 stars; one submission).

Conditions:
Chédiak-Higashi syndrome (CHS). Also called: Chediak-Higashi Syndrome. Identifiers: Orphanet 167, MedGen C0007965, MONDO:0008963, OMIM 214500.

Submission:

Labcorp Genetics (formerly Invitae), Labcorp
Classification: Uncertain significance for Chédiak-Higashi syndrome. Last evaluated: 2022-07-05. Review status: criteria provided, single submitter. Criteria: Invitae Variant Classification Sherloc (09022015). Collection method: clinical testing. Allele origin: germline.
Comment: This sequence change replaces arginine, which is basic and polar, with leucine, which is neutral and non-polar, at codon 2261 of the LYST protein (p.Arg2261Leu). This variant is not present in population databases (gnomAD no frequency). This variant has not been reported in the literature in individuals affected with LYST-related conditions. Algorithms developed to predict the effect of missense changes on protein structure and function output the following: SIFT: "Tolerated"; PolyPhen-2: "Benign"; Align-GVGD: "Class C0". The leucine amino acid residue is found in multiple mammalian species, which suggests that this missense change does not adversely affect protein function. In summary, the available evidence is currently insufficient to determine the role of this variant in disease. Therefore, it has been classified as a Variant of Uncertain Significance.

NM_000081.4(LYST):c.6782G>T (p.Arg2261Leu)

Gene: LYST (lysosomal trafficking regulator; minus strand). Cytogenetic location: 1q42.3.
Variant type: single nucleotide variant.
Coding change: c.6782G>T on transcript NM_000081.4 (MANE Select); coding-DNA position 6782, G replaced by T.
Protein change: p.Arg2261Leu; replaces arginine 2261 with leucine.
Molecular consequence: missense variant.
Genome position (GRCh38, 1-based): chr1:235,759,071, C>A on the plus strand (G>T on the coding strand, the complement: LYST is on the minus strand). VCF-style: chr1-235759071-C-A. GRCh37 (hg19) VCF-style: chr1-235922371-C-A.
Other names: c.6782G>T, p.Arg2261Leu (NM_001301365.1); short protein forms R2261L.
Identifiers: ClinVar variation 2014211 (VCV002014211.1), dbSNP rs147791378, ClinGen allele CA344939398.